The following is an entry in ClinVar:

ClinVar aggregate classification (germline): Likely pathogenic. Review status: criteria provided, multiple submitters, no conflicts (2 of 4 stars). 2 submissions from 2 submitters: Likely pathogenic (2). Last evaluated 2024-06-05.

Conditions:
COL2A1-related disorder. Also called: COL2A1-related condition; COL2A1-related disorders.

Submissions (2):

Blueprint Genetics
Classification: Likely pathogenic for COL2A1-related disorders. Last evaluated: 2024-06-05. Review status: criteria provided, single submitter. Criteria: ACMG Guidelines, 2015. Collection method: clinical testing. Allele origin: germline. Affected: yes. Observed: 1 variant allele.

Labcorp Genetics (formerly Invitae), Labcorp
Classification: Likely pathogenic. Last evaluated: 2022-02-08. Review status: criteria provided, single submitter. Criteria: Invitae Variant Classification Sherloc (09022015). Collection method: clinical testing. Allele origin: germline.
Comment: This sequence change replaces glycine, which is neutral and non-polar, with arginine, which is basic and polar, at codon 333 of the COL2A1 protein (p.Gly333Arg). This variant is not present in population databases (gnomAD no frequency). This variant has not been reported in the literature in individuals affected with COL2A1-related conditions. Advanced modeling of protein sequence and biophysical properties (such as structural, functional, and spatial information, amino acid conservation, physicochemical variation, residue mobility, and thermodynamic stability) performed at Invitae indicates that this missense variant is expected to disrupt COL2A1 protein function. This variant disrupts the triple helix domain of COL2A1. Glycine residues within the Gly-Xaa-Yaa repeats of the triple helix domain are required for the structure and stability of fibrillar collagens (PMID: 7695699, 8218237, 19344236). In COL2A1, variants affecting these glycine residues are significantly enriched in individuals with disease (PMID: 9016532, 17078022) compared to the general population (ExAC). In summary, the currently available evidence indicates that the variant is pathogenic, but additional data are needed to prove that conclusively. Therefore, this variant has been classified as Likely Pathogenic.

Literature cited by the submitters: PubMed 7695699 (cited by Labcorp Genetics (formerly Invitae), Labcorp); PubMed 8218237 (cited by Labcorp Genetics (formerly Invitae), Labcorp); PubMed 19344236 (cited by Labcorp Genetics (formerly Invitae), Labcorp); PubMed 9016532 (cited by Labcorp Genetics (formerly Invitae), Labcorp); PubMed 17078022 (cited by Labcorp Genetics (formerly Invitae), Labcorp).

NM_001844.5(COL2A1):c.997G>C (p.Gly333Arg)

Gene: COL2A1 (collagen type II alpha 1 chain; minus strand). Cytogenetic location: 12q13.11.
Variant type: single nucleotide variant.
Coding change: c.997G>C on transcript NM_001844.5 (MANE Select); coding-DNA position 997, G replaced by C.
Protein change: p.Gly333Arg; replaces glycine 333 with arginine.
Molecular consequence: missense variant.
Genome position (GRCh38, 1-based): chr12:47,992,904, C>G on the plus strand (G>C on the coding strand, the complement: COL2A1 is on the minus strand). VCF-style: chr12-47992904-C-G. GRCh37 (hg19) VCF-style: chr12-48386687-C-G.
Other names: c.790G>C, p.Gly264Arg (NM_033150.3); short protein forms G264R, G333R.
Identifiers: ClinVar variation 2095062 (VCV002095062.5), dbSNP rs2540165606, ClinGen allele CA384555642.